The following is an entry in ClinVar:

NM_000369.5(TSHR):c.406_407del (p.Thr136fs)

Genes: TSHR (thyroid stimulating hormone receptor; plus strand), TSHR-AS1 (TSHR antisense RNA 1; minus strand). Cytogenetic location: 14q31.1.
Variant type: Microsatellite.
Coding change: c.406_407del on transcript NM_000369.5 (MANE Select); coding-DNA positions 406 to 407, 2 bases deleted (AC; older notation c.406_407delAC).
Protein change: p.Thr136fs; shifts the reading frame from threonine 136.
Molecular consequence: frameshift variant.
Genome position (GRCh38, 1-based): chr14:81,091,082-81,091,083, AC deleted; deleting any 2 consecutive bases within chr14:81,091,080-81,091,083 gives the same sequence; the c. name uses the placement nearest the transcript's 3' end. VCF-style (leftmost placement, unchanged base first): chr14-81091079-AAC-A. GRCh37 (hg19) VCF-style: chr14-81557423-AAC-A.
Other names: c.406_407delAC (NM_000369.2); c.404_405AC[1], p.Thr136Trpfs (NM_000369.2); c.406_407del, p.Thr136fs (NM_001018036.3, NM_001142626.3); short protein forms T136fs.
Identifiers: ClinVar variation 2632279 (VCV002632279.1), dbSNP rs2503608613, ClinGen allele CA2695199853.

ClinVar aggregate classification (germline): Likely pathogenic (1 of 4 stars; one submission).

Conditions:
TSHR-related disorder. Also called: TSHR-related condition; TSHR-related disorders.

Submission:

PreventionGenetics, part of Exact Sciences
Classification: Likely pathogenic for TSHR-related condition. Last evaluated: 2023-07-05. Review status: criteria provided, single submitter. Criteria: ACMG Guidelines, 2015. Collection method: clinical testing. Allele origin: germline.
Comment: The TSHR c.406_407delAC variant is predicted to result in a frameshift and premature protein termination (p.Thr136Trpfs*3). To our knowledge, this variant has not been reported in the literature or in a large population database, indicating this variant is rare. Frameshift variants in TSHR are expected to be pathogenic. This variant is interpreted as likely pathogenic.